The following is an entry in ClinVar:

NM_001146.5(ANGPT1):c.575+5G>A

Gene: ANGPT1 (angiopoietin 1; minus strand). Cytogenetic location: 8q23.1.
Variant type: single nucleotide variant.
Coding change: c.575+5G>A on transcript NM_001146.5 (MANE Select); 5 bases into the intron after coding-DNA position 575, G replaced by A.
Molecular consequence: intron variant.
Genome position (GRCh38, 1-based): chr8:107,336,145, C>T on the plus strand (G>A on the coding strand, the complement: ANGPT1 is on the minus strand). VCF-style: chr8-107336145-C-T. GRCh37 (hg19) VCF-style: chr8-108348373-C-T.
Other names: c.575+5G>A (NM_001199859.3); c.-26+5G>A (NM_001314051.2).
Identifiers: ClinVar variation 1424158 (VCV001424158.6), dbSNP rs1196552263, ClinGen allele CA845218429.
Genomic context (GRCh38, chr8:107,336,145, plus strand): 5'-GGCAGAGAGGTGAAGGATATAAATAAGTACACACAGAAACATTTTTGGAATAAAGCAATC[C>T]TCACCTGTTTTTTTCATGGATCTTCAAGATTTCATTTGTCTGTTGAAGAAGTTGCTTCTC-3'

ClinVar aggregate classification (germline): Uncertain significance (1 of 4 stars; one submission).

Allele frequency attached by ClinVar (database versions not stated): TOPMed below 0.00001.

Submission:

Labcorp Genetics (formerly Invitae), Labcorp
Classification: Uncertain significance. Last evaluated: 2021-01-08. Review status: criteria provided, single submitter. Criteria: Invitae Variant Classification Sherloc (09022015). Collection method: clinical testing. Allele origin: germline.
Comment: In summary, the available evidence is currently insufficient to determine the role of this variant in disease. Therefore, it has been classified as a Variant of Uncertain Significance. Nucleotide substitutions within the consensus splice site are a relatively common cause of aberrant splicing (PMID: 17576681, 9536098). Algorithms developed to predict the effect of sequence changes on RNA splicing suggest that this variant may disrupt the consensus splice site, but this prediction has not been confirmed by published transcriptional studies. This variant has not been reported in the literature in individuals with ANGPT1-related conditions. This variant is not present in population databases (ExAC no frequency). This sequence change falls in intron 3 of the ANGPT1 gene. It does not directly change the encoded amino acid sequence of the ANGPT1 protein. It affects a nucleotide within the consensus splice site of the intron.

Literature cited by the submitters: PubMed 17576681; PubMed 9536098.